The following is an entry in ClinVar:

ClinVar aggregate classification (germline): Uncertain significance. Review status: criteria provided, multiple submitters, no conflicts (2 of 4 stars). 3 submissions from 3 submitters: Uncertain significance (3). Last evaluated 2023-08-04.

Conditions:
Inborn genetic diseases. Identifiers: MedGen C0950123, MeSH D030342.

Allele frequency attached by ClinVar (database versions not stated): gnomAD exomes 0.00001 and 0.00002; gnomAD 0.00002; TOPMed 0.00002; ExAC 0.00003; ESP Exome Variant Server 0.00008.
gnomAD v4.1: 16 of 1,599,022 alleles (0.001%); highest among the groups gnomAD compares: South Asian, 0.0089%; no homozygotes.

Submissions (3):

Labcorp Genetics (formerly Invitae), Labcorp
Classification: Uncertain significance. Last evaluated: 2023-08-04. Review status: criteria provided, single submitter. Criteria: Invitae Variant Classification Sherloc (09022015). Collection method: clinical testing. Allele origin: germline.
Comment: This variant has not been reported in the literature in individuals affected with CFAP410-related conditions. In summary, the available evidence is currently insufficient to determine the role of this variant in disease. Therefore, it has been classified as a Variant of Uncertain Significance. Advanced modeling of protein sequence and biophysical properties (such as structural, functional, and spatial information, amino acid conservation, physicochemical variation, residue mobility, and thermodynamic stability) performed at Invitae indicates that this missense variant is not expected to disrupt CFAP410 protein function. ClinVar contains an entry for this variant (Variation ID: 1037161). This variant is present in population databases (rs372992486, gnomAD 0.01%). This sequence change replaces arginine, which is basic and polar, with cysteine, which is neutral and slightly polar, at codon 189 of the CFAP410 protein (p.Arg189Cys).

Ambry Genetics
Classification: Uncertain significance for Inborn genetic diseases. Last evaluated: 2021-07-14. Review status: criteria provided, single submitter. Criteria: Ambry Variant Classification Scheme 2023. Collection method: clinical testing. Allele origin: germline.

Blueprint Genetics
Classification: Uncertain significance. Last evaluated: 2019-07-23. Review status: criteria provided, single submitter. Criteria: ACMG Guidelines, 2015. Collection method: clinical testing. Allele origin: germline.

NM_004928.3(CFAP410):c.565C>T (p.Arg189Cys)

Gene: CFAP410 (cilia and flagella associated protein 410; minus strand). Cytogenetic location: 21q22.3.
Variant type: single nucleotide variant.
Coding change: c.565C>T on transcript NM_004928.3 (MANE Select); coding-DNA position 565, C replaced by T.
Protein change: p.Arg189Cys; replaces arginine 189 with cysteine.
Molecular consequence: missense variant.
Genome position (GRCh38, 1-based): chr21:44,330,900, G>A on the plus strand (C>T on the coding strand, the complement: CFAP410 is on the minus strand). VCF-style: chr21-44330900-G-A. GRCh37 (hg19) VCF-style: chr21-45750783-G-A.
Other names: c.562C>T, p.Arg188Cys (NM_001271440.2, NM_001271441.2); c.439C>T, p.Arg147Cys (NM_001271442.1); c.565C>T (NM_004928.2); short protein forms R189C, R147C, R188C.
Identifiers: ClinVar variation 1037161 (VCV001037161.9), dbSNP rs372992486, ClinGen allele CA10053600.